The following is an entry in ClinVar:

ClinVar aggregate classification (germline): Conflicting classifications of pathogenicity. Review status: criteria provided, conflicting classifications (1 of 4 stars). 6 submissions from 6 submitters: Uncertain significance (5); Likely benign (1). Last evaluated 2025-06-15.

Conditions:
Familial adenomatous polyposis 1 (FAP1). Also called: FAMILIAL ADENOMATOUS POLYPOSIS 1, ATTENUATED; POLYPOSIS, ADENOMATOUS INTESTINAL. Identifiers: MedGen C2713442, MONDO:0021056, OMIM 175100. Disease mechanism: loss of function.
Hereditary cancer-predisposing syndrome. Also called: Tumor predisposition; Hereditary Cancer Syndrome; Hereditary neoplastic syndrome; Neoplastic Syndromes, Hereditary. Identifiers: Orphanet 140162, MedGen C0027672, MeSH D009386, MONDO:0015356.

Allele frequency attached by ClinVar (database versions not stated): ExAC 0.00001; gnomAD exomes 0.00001 and 0.00002.
gnomAD v4.1: 4 of 1,614,062 alleles (0.00025%); highest among the groups gnomAD compares: Admixed American, 0.0067%; no homozygotes.

Submissions (6):

Labcorp Genetics (formerly Invitae), Labcorp
Classification: Uncertain significance for Familial adenomatous polyposis 1. Last evaluated: 2025-06-15. Review status: criteria provided, single submitter. Criteria: Invitae Variant Classification Sherloc (09022015). Collection method: clinical testing. Allele origin: germline.
Comment: This sequence change replaces glycine, which is neutral and non-polar, with cysteine, which is neutral and slightly polar, at codon 2264 of the APC protein (p.Gly2264Cys). This variant is present in population databases (rs755904252, gnomAD 0.01%). This variant has not been reported in the literature in individuals affected with APC-related conditions. ClinVar contains an entry for this variant (Variation ID: 411358). Invitae Evidence Modeling of protein sequence and biophysical properties (such as structural, functional, and spatial information, amino acid conservation, physicochemical variation, residue mobility, and thermodynamic stability) indicates that this missense variant is not expected to disrupt APC protein function with a negative predictive value of 95%. In summary, the available evidence is currently insufficient to determine the role of this variant in disease. Therefore, it has been classified as a Variant of Uncertain Significance.

Quest Diagnostics Nichols Institute San Juan Capistrano
Classification: Uncertain significance. Last evaluated: 2024-10-29. Review status: criteria provided, single submitter. Criteria: Quest Diagnostics criteria. Collection method: clinical testing. Allele origin: unknown.
Comment: The APC c.6790G>T (p.Gly2264Cys) variant has not been reported in individuals with APC-related conditions in the published literature. The frequency of this variant in the general population, 0.00012 (4/34550 chromosomes in Admixed American subpopulation (Genome Aggregation Database)), is higher than would generally be expected for pathogenic variants in this gene. Analysis of this variant using bioinformatics tools for the prediction of the effect of amino acid changes on protein structure and function yielded predictions that this variant is benign. Based on the available information, we are unable to determine the clinical significance of this variant.

Ambry Genetics
Classification: Likely benign for Hereditary cancer-predisposing syndrome. Last evaluated: 2024-04-22. Review status: criteria provided, single submitter. Criteria: Ambry Variant Classification Scheme 2023. Collection method: clinical testing. Allele origin: germline.

Color Diagnostics, LLC DBA Color Health
Classification: Uncertain significance for Hereditary cancer-predisposing syndrome. Last evaluated: 2024-03-06. Review status: criteria provided, single submitter. Criteria: ACMG Guidelines, 2015. Collection method: clinical testing. Allele origin: germline.
Comment: This missense variant replaces glycine with cysteine at codon 2264 of the APC protein. Computational prediction suggests that this variant may not impact protein structure and function (internally defined REVEL score threshold <= 0.5, PMID: 27666373). Splice site prediction tools suggest that this variant may not impact RNA splicing. To our knowledge, functional studies have not been reported for this variant. This variant has not been reported in individuals affected with hereditary cancer in the literature. This variant has been identified in 4/251010 chromosomes in the general population by the Genome Aggregation Database (gnomAD). The available evidence is insufficient to determine the role of this variant in disease conclusively. Therefore, this variant is classified as a Variant of Uncertain Significance.

Sema4
Classification: Uncertain significance for Hereditary cancer-predisposing syndrome. Last evaluated: 2022-02-02. Review status: criteria provided, single submitter. Criteria: Sema4 Curation Guidelines. Collection method: curation. Allele origin: germline.
Comment: The APC c.6790G>T (p.G2264C) variant has not been reported in the literature to our knowledge. It was observed in 4/34550 chromosomes of the Latino/Admixed American subpopulation, in the large and broad cohorts of the Genome Aggregation Database (PMID: 32461654). This variant has been reported in ClinVar (Variation ID 411358). Functional studies have not been performed, and in silico predictions of the variant's effect on protein function are inconclusive. The evidence is insufficient to meet ACMG/AMP criteria for classifying the variant as benign or pathogenic. Thus, the clinical significance of this variant is currently uncertain.

GeneDx
Classification: Uncertain significance. Last evaluated: 2019-12-31. Review status: criteria provided, single submitter. Criteria: GeneDx Variant Classification Process June 2021. Collection method: clinical testing. Allele origin: germline. Affected: yes.
Comment: In silico analysis, which includes protein predictors and evolutionary conservation, supports a deleterious effect; Has not been previously published as pathogenic or benign to our knowledge

NM_000038.6(APC):c.6790G>T (p.Gly2264Cys)

Gene: APC (APC regulator of Wnt signaling pathway; plus strand). Cytogenetic location: 5q22.2.
Variant type: single nucleotide variant.
Coding change: c.6790G>T on transcript NM_000038.6 (MANE Select); coding-DNA position 6790, G replaced by T.
Protein change: p.Gly2264Cys; replaces glycine 2264 with cysteine.
Molecular consequence: missense variant.
Genome position (GRCh38, 1-based): chr5:112,842,384, G>T. VCF-style: chr5-112842384-G-T. GRCh37 (hg19) VCF-style: chr5-112178081-G-T.
Other names: c.6790G>T, p.Gly2264Cys (NM_001127510.3, NM_001354895.2); c.6736G>T, p.Gly2246Cys (NM_001127511.3); c.6844G>T, p.Gly2282Cys (NM_001354896.2); c.6820G>T, p.Gly2274Cys (NM_001354897.2); c.6715G>T, p.Gly2239Cys (NM_001354898.2); c.6706G>T, p.Gly2236Cys (NM_001354899.2); c.6667G>T, p.Gly2223Cys (NM_001354900.2); c.6613G>T, p.Gly2205Cys (NM_001354901.2); and 5 more; short protein forms G2246C, G2264C, G2236C, G2274C, G1981C, G2104C, G2138C, G2173C.
Identifiers: ClinVar variation 411358 (VCV000411358.22), dbSNP rs755904252, ClinGen allele CA046175.